The following is an entry in ClinVar:

ClinVar aggregate classification (germline): Benign/Likely benign. Review status: criteria provided, multiple submitters, no conflicts (2 of 4 stars). 2 submissions from 2 submitters: Benign (1); Likely benign (1). Last evaluated 2026-06-01.

Allele frequency attached by ClinVar (database versions not stated): gnomAD exomes 0.00032 and 0.00079; ExAC 0.00098; gnomAD 0.00349 and 0.00376; ESP Exome Variant Server 0.00356; 1000 Genomes Project 0.00379; 1000 Genomes Project 30x 0.00390; TOPMed 0.00395.
gnomAD v4.1: 1,019 of 1,610,942 alleles (0.063%); highest among the groups gnomAD compares: African/African-American, 1.2%; 7 homozygotes.

Submissions (2):

CeGaT Center for Human Genetics Tuebingen
Classification: Likely benign. Last evaluated: 2026-06-01. Review status: criteria provided, single submitter. Criteria: CeGaT Center For Human Genetics Tuebingen Variant Classification Criteria Version 2. Collection method: clinical testing. Allele origin: germline. Affected: yes. Observed: 1 variant allele.
Comment: HFM1: BS1

Labcorp Genetics (formerly Invitae), Labcorp
Classification: Benign. Last evaluated: 2018-11-09. Review status: criteria provided, single submitter. Criteria: Invitae Variant Classification Sherloc (09022015). Collection method: clinical testing. Allele origin: germline.

NM_001017975.6(HFM1):c.1294A>G (p.Met432Val)

Gene: HFM1 (helicase for meiosis 1; minus strand). Cytogenetic location: 1p22.2.
Variant type: single nucleotide variant.
Coding change: c.1294A>G on transcript NM_001017975.6 (MANE Select); coding-DNA position 1294, A replaced by G.
Protein change: p.Met432Val; replaces methionine 432 with valine.
Molecular consequence: missense variant. On other transcripts: non-coding transcript variant (1).
Genome position (GRCh38, 1-based): chr1:91,378,126, T>C on the plus strand (A>G on the coding strand, the complement: HFM1 is on the minus strand). VCF-style: chr1-91378126-T-C. GRCh37 (hg19) VCF-style: chr1-91843683-T-C.
Other names: short protein forms M432V.
Identifiers: ClinVar variation 718419 (VCV000718419.5), dbSNP rs115101410, ClinGen allele CA946258.
Genomic context (GRCh38, chr1:91,378,126, plus strand): 5'-GCATTGGAATAGCAGTGCTGGTATTTTTTAAAGTCTGAGAAACAGACTGTACAGTTTTCA[T>C]TCTGCTAACTACAACTTCAAGAGTTGGACCACGATTTTCATCTTTTACAATATGTACCTA-3'
Protein context (NP_001017975.5, residues 422-442): GPTLEVVVSR[Met432Val]KTVQSVSQTL